The following is an entry in ClinVar:

ClinVar aggregate classification (germline): Pathogenic. Review status: criteria provided, multiple submitters, no conflicts (2 of 4 stars). 5 submissions from 5 submitters: Pathogenic (4). 1 of the submissions does not count toward it. Last evaluated 2025-12-01.

Conditions:
Familial amyloid polyneuropathy, Iowa type (AMYLD3). Also called: AMYLOIDOSIS, HEREDITARY SYSTEMIC 3; AMYLOIDOSIS, IOWA TYPE; AMYLOIDOSIS, VAN ALLEN TYPE; AMYLOIDOSIS, TYPE III; AMYLOIDOSIS, TYPE IV; Familial amyloid polyneuropathy type III. Identifiers: MedGen C4551500, MONDO:0971008, OMIM 620657.
Hypoalphalipoproteinemia, primary, 2. Also called: HIGH DENSITY LIPOPROTEIN DEFICIENCY; HYPOALPHALIPOPROTEINEMIA, PRIMARY, 2, AUTOSOMAL RECESSIVE. Identifiers: MedGen C5551172, MONDO:0032766, OMIM 618463.
Hypoalphalipoproteinemia, primary, 2, intermediate. Also called: HYPOALPHALIPOPROTEINEMIA, PRIMARY, 2, AUTOSOMAL DOMINANT. Identifiers: MedGen C5677030, MONDO:0859238, OMIM 619836.
Familial visceral amyloidosis, Ostertag type (AMYLD2). Also called: Ostertag type amyloidosis; AMYLOIDOSIS VIII; AMYLOIDOSIS, HEREDITARY SYSTEMIC 2; Familial visceral amyloidosis; Amyloidosis, hepatic and systemic; Hereditary Renal Amyloidosis. Identifiers: Orphanet 85450, MedGen C0268389, MONDO:0007099, OMIM 105200.

Submissions (5):

CeGaT Center for Human Genetics Tuebingen
Classification: Pathogenic. Last evaluated: 2025-12-01. Review status: criteria provided, single submitter. Criteria: CeGaT Center For Human Genetics Tuebingen Variant Classification Criteria Version 2. Collection method: clinical testing. Allele origin: germline. Affected: yes. Observed: 1 variant allele.
Comment: APOA1: PP1:Strong, PS4, PM1, PM2, PS3:Moderate

Molecular Genetics, Royal Melbourne Hospital
Classification: Pathogenic for Familial visceral amyloidosis, Ostertag type. Last evaluated: 2024-12-06. Review status: criteria provided, single submitter. Criteria: ACMG Guidelines, 2015. Collection method: clinical testing. Allele origin: germline. Inheritance: Autosomal dominant inheritance. Affected: yes.
Comment: This sequence change in APOA1 is predicted to replace glycine with arginine at codon 50, p.(Gly50Arg). Note, this variant is also referred to in the literature as p.(Gly26Arg). This glycine residue is critical for β-structure termination (PMID: 17665932, 27464946) and is highly conserved (100 vertebrate, Multiz Alignment). There is a large physicochemical difference between glycine and arginine. This variant is absent from the population database gnomAD v4.1. This variant has been reported in several probands with apolipoprotein-A1 familial amyloid polyneuropathy, including in one large multi-generational kindred in which the variant segregates with disease in the affected family members (PMID: 33502644, 2123470, 3142462, 4304452). Functional studies suggest this variant leads to decreased lipid binding function and promotion of amyloid formation (PMID: 17665932, 21296086, 23233678). Computational evidence predicts a deleterious effect for the missense substitution (REVEL = 0.7). Based on the classification scheme RMH Modified ACMG/AMP Guidelines v1.7.1, this variant is classified as PATHOGENIC. Following criteria are met: PM1, PM2_Supporting, PP1_Moderate, PP3, PS3_Supporting, PS4.

Fulgent Genetics
Classification: Pathogenic for Hypoalphalipoproteinemia, primary, 2; Hypoalphalipoproteinemia, primary, 2, intermediate; Familial amyloid polyneuropathy, Iowa type. Last evaluated: 2024-02-16. Review status: criteria provided, single submitter. Criteria: ACMG Guidelines, 2015. Collection method: clinical testing. Allele origin: germline.

Labcorp Genetics (formerly Invitae), Labcorp
Classification: Pathogenic. Last evaluated: 2023-03-24. Review status: criteria provided, single submitter. Criteria: Invitae Variant Classification Sherloc (09022015). Collection method: clinical testing. Allele origin: germline.
Comment: This missense change has been observed in individual(s) with autosomal dominant systemic amyloidosis (PMID: 2123470). It has also been observed to segregate with disease in related individuals. This sequence change replaces glycine, which is neutral and non-polar, with arginine, which is basic and polar, at codon 50 of the APOA1 protein (p.Gly50Arg). This variant is not present in population databases (gnomAD no frequency). This variant is also known as glycine to arginine-26 substitution, ApoA-I Iowa, or G26R. ClinVar contains an entry for this variant (Variation ID: 17917). Advanced modeling of protein sequence and biophysical properties (such as structural, functional, and spatial information, amino acid conservation, physicochemical variation, residue mobility, and thermodynamic stability) performed at Invitae indicates that this missense variant is expected to disrupt APOA1 protein function. Experimental studies have shown that this missense change affects APOA1 function (PMID: 17665932, 21296086, 22952757, 23233678, 27464946). For these reasons, this variant has been classified as Pathogenic.

OMIM
Classification: Pathogenic for AMYLOIDOSIS, HEREDITARY SYSTEMIC 3. Last evaluated: 1990-10-01. Review status: no assertion criteria provided. Collection method: literature only. Allele origin: germline. Not counted in ClinVar's aggregate classification.

Literature cited by the submitters: PubMed 2123470 (cited by 3 submitters); PubMed 3142462 (cited by Molecular Genetics, Royal Melbourne Hospital and OMIM); PubMed 4304452 (cited by Molecular Genetics, Royal Melbourne Hospital and OMIM); PubMed 17665932 (cited by Molecular Genetics, Royal Melbourne Hospital and Labcorp Genetics (formerly Invitae), Labcorp); PubMed 21296086 (cited by Molecular Genetics, Royal Melbourne Hospital and Labcorp Genetics (formerly Invitae), Labcorp); PubMed 23233678 (cited by Molecular Genetics, Royal Melbourne Hospital and Labcorp Genetics (formerly Invitae), Labcorp); PubMed 27464946 (cited by Molecular Genetics, Royal Melbourne Hospital and Labcorp Genetics (formerly Invitae), Labcorp); PubMed 33502644 (cited by Molecular Genetics, Royal Melbourne Hospital); PubMed 22952757 (cited by Labcorp Genetics (formerly Invitae), Labcorp); Nichols, W. C., Dwulet, F. E., Benson, M. D. Apolipoprotein AI in Iowa type hereditary amyloidosis (FAP type IV). (Abstract) Clin. Res. 35: 595A-only, 1987. (cited by OMIM); Nichols, W. C., Gregg, R. E., Brewer, H. B., Benson, M. D. Characterization of the gene for familial amyloidotic polyneuropathy (FAP III/Iowa) and genotyping by allele-specific PCR. (Abstract) Am. J. Hum. Genet. 45 (suppl.): A210-only, 1989. (cited by OMIM).

NM_000039.3(APOA1):c.148G>C (p.Gly50Arg)

Genes: APOA1-AS (APOA1 antisense RNA; plus strand), APOA1 (apolipoprotein A1; minus strand). Cytogenetic location: 11q23.3.
Variant type: single nucleotide variant.
Coding change: c.148G>C on transcript NM_000039.3 (MANE Select); coding-DNA position 148, G replaced by C.
Protein change: p.Gly50Arg; replaces glycine 50 with arginine.
Molecular consequence: missense variant.
Genome position (GRCh38, 1-based): chr11:116,837,053, C>G on the plus strand (G>C on the coding strand, the complement: APOA1 is on the minus strand). VCF-style: chr11-116837053-C-G. GRCh37 (hg19) VCF-style: chr11-116707769-C-G.
Other names: G26R; c.148G>C, p.Gly50Arg (NM_001318017.2, NM_001318018.2); c.-180G>C (NM_001318021.2); short protein forms G50R.
Identifiers: ClinVar variation 17917 (VCV000017917.14), dbSNP rs28931574, ClinGen allele CA127561.